The following is an entry in ClinVar:

NM_001039141.3(TRIOBP):c.4271T>C (p.Leu1424Pro)

Gene: TRIOBP (TRIO and F-actin binding protein; plus strand). Cytogenetic location: 22q13.1.
Variant type: single nucleotide variant.
Coding change: c.4271T>C on transcript NM_001039141.3 (MANE Select); coding-DNA position 4271, T replaced by C.
Protein change: p.Leu1424Pro; replaces leucine 1424 with proline.
Molecular consequence: missense variant.
Genome position (GRCh38, 1-based): chr22:37,734,607, T>C. VCF-style: chr22-37734607-T-C. GRCh37 (hg19) VCF-style: chr22-38130614-T-C.
Other names: short protein forms L1424P.
Identifiers: ClinVar variation 180031 (VCV000180031.5), dbSNP rs727505298, ClinGen allele CA185677.
Genomic context (GRCh38, chr22:37,734,607, plus strand): 5'-AGAGGGAGCTGCGGACACAGAGACCTCTGGAGAGTGGCCAAGCAGGCCCAAGACAGCCTC[T>C]GGGGGTGTGGCAGAGTCAGGAGGAACCGCCAGGGTCCCAGGGCCCTCATAGACACCTAGA-3'
Protein context (NP_001034230.1, residues 1414-1434): ESGQAGPRQP[Leu1424Pro]GVWQSQEEPP

ClinVar aggregate classification (germline): Likely benign (1 of 4 stars; one submission).

Allele frequency attached by ClinVar (database versions not stated): gnomAD 0.00001; TOPMed 0.00002.
gnomAD v4.1: 3 of 1,581,848 alleles (0.00019%); highest among the groups gnomAD compares: Non-Finnish European, 0.00026%; no homozygotes.

Submission:

Laboratory for Molecular Medicine, Mass General Brigham Personalized Medicine
Classification: Likely benign. Last evaluated: 2014-09-16. Review status: criteria provided, single submitter. Criteria: LMM Criteria. Collection method: clinical testing. Allele origin: germline. Observed: 1 variant allele.
Comment: Leu1424Pro in exon 9 of TRIOBP: This variant is not expected to have clinical s ignificance due to a lack of conservation across species, including mammals. Of note, green monkey, chinchilla, rabbit, pig, cat, David's myotis bat, microbat, armadillo, and platypus have a proline (Pro) at this position despite high near by amino acid conservation. In addition, computational prediction tools do not suggest a high likelihood of impact to the protein.